The following is an entry in ClinVar:

NM_031844.3(HNRNPU):c.1576A>G (p.Asn526Asp)

Gene: HNRNPU (heterogeneous nuclear ribonucleoprotein U; minus strand). Cytogenetic location: 1q44.
Variant type: single nucleotide variant.
Coding change: c.1576A>G on transcript NM_031844.3 (MANE Select); coding-DNA position 1576, A replaced by G.
Protein change: p.Asn526Asp; replaces asparagine 526 with aspartic acid.
Molecular consequence: missense variant.
Genome position (GRCh38, 1-based): chr1:244,857,636, T>C on the plus strand (A>G on the coding strand, the complement: HNRNPU is on the minus strand). VCF-style: chr1-244857636-T-C. GRCh37 (hg19) VCF-style: chr1-245020938-T-C.
Other names: c.1519A>G, p.Asn507Asp (NM_004501.3); short protein forms N507D, N526D.
Identifiers: ClinVar variation 3683549 (VCV003683549.2).
Genomic context (GRCh38, chr1:244,857,636, plus strand): 5'-AGGCCCTAAACATTTTACTTACCATCATCTTATCCATAATAGTATTTGTGCCAAGAATGT[T>C]ATATTTCCCTGGATTTTCTGCTGCATGTTTAGTAACCCAGGTAGTTTTTCCAGCTCCTGG-3'
Protein context (NP_114032.2, residues 516-536): KHAAENPGKY[Asn526Asp]ILGTNTIMDK

ClinVar aggregate classification (germline): Uncertain significance (1 of 4 stars; one submission).

Conditions:
Developmental and epileptic encephalopathy, 54. Also called: HNRNPU-Related Neurodevelopmental Disorder; Epileptic encephalopathy, early infantile, 54. Identifiers: MedGen C4479319, MONDO:0033363, OMIM 617391.

gnomAD v4.1: 1 of 1,613,612 alleles (0.000062%); highest among the groups gnomAD compares: East Asian, 0.0022%; no homozygotes.

Submission:

Labcorp Genetics (formerly Invitae), Labcorp
Classification: Uncertain significance for Developmental and epileptic encephalopathy, 54. Last evaluated: 2024-07-17. Review status: criteria provided, single submitter. Criteria: Invitae Variant Classification Sherloc (09022015). Collection method: clinical testing. Allele origin: germline.
Comment: This sequence change replaces asparagine, which is neutral and polar, with aspartic acid, which is acidic and polar, at codon 526 of the HNRNPU protein (p.Asn526Asp). This variant is not present in population databases (gnomAD no frequency). This variant has not been reported in the literature in individuals affected with HNRNPU-related conditions. Advanced modeling of protein sequence and biophysical properties (such as structural, functional, and spatial information, amino acid conservation, physicochemical variation, residue mobility, and thermodynamic stability) performed at Invitae indicates that this missense variant is expected to disrupt HNRNPU protein function with a positive predictive value of 80%. In summary, the available evidence is currently insufficient to determine the role of this variant in disease. Therefore, it has been classified as a Variant of Uncertain Significance.